The following is an entry in ClinVar:

ClinVar aggregate classification (germline): Uncertain significance (1 of 4 stars; one submission).

Conditions:
Combined immunodeficiency due to DOCK8 deficiency (HIES2). Also called: DOCK8 Deficiency; Hyper-IgE recurrent infection syndrome, autosomal recessive; HYPER-IgE RECURRENT INFECTION SYNDROME 2, AUTOSOMAL RECESSIVE; HYPER-IgE SYNDROME 2, AUTOSOMAL RECESSIVE, WITH RECURRENT INFECTIONS; HIES autosomal recessive. Identifiers: Orphanet 217390, MedGen C4722305, MONDO:0009478, OMIM 243700.

gnomAD v4.1: 19 of 1,614,168 alleles (0.0012%); highest among the groups gnomAD compares: Non-Finnish European, 0.0016%; no homozygotes.

Submission:

Labcorp Genetics (formerly Invitae), Labcorp
Classification: Uncertain significance for Combined immunodeficiency due to DOCK8 deficiency. Last evaluated: 2024-12-10. Review status: criteria provided, single submitter. Criteria: Invitae Variant Classification Sherloc (09022015). Collection method: clinical testing. Allele origin: germline.
Comment: This sequence change replaces leucine, which is neutral and non-polar, with phenylalanine, which is neutral and non-polar, at codon 1296 of the DOCK8 protein (p.Leu1296Phe). This variant is not present in population databases (gnomAD no frequency). This variant has not been reported in the literature in individuals affected with DOCK8-related conditions. ClinVar contains an entry for this variant (Variation ID: 2139643). Invitae Evidence Modeling of protein sequence and biophysical properties (such as structural, functional, and spatial information, amino acid conservation, physicochemical variation, residue mobility, and thermodynamic stability) indicates that this missense variant is expected to disrupt DOCK8 protein function with a positive predictive value of 80%. In summary, the available evidence is currently insufficient to determine the role of this variant in disease. Therefore, it has been classified as a Variant of Uncertain Significance.

NM_203447.4(DOCK8):c.3886C>T (p.Leu1296Phe)

Gene: DOCK8 (dedicator of cytokinesis 8; plus strand). Cytogenetic location: 9p24.3.
Variant type: single nucleotide variant.
Coding change: c.3886C>T on transcript NM_203447.4 (MANE Select); coding-DNA position 3886, C replaced by T.
Protein change: p.Leu1296Phe; replaces leucine 1296 with phenylalanine.
Molecular consequence: missense variant.
Genome position (GRCh38, 1-based): chr9:420,446, C>T. VCF-style: chr9-420446-C-T. GRCh37 (hg19) VCF-style: chr9-420446-C-T.
Other names: c.3586C>T, p.Leu1196Phe (NM_001190458.2); c.3682C>T, p.Leu1228Phe (NM_001193536.2); short protein forms L1296F, L1196F, L1228F.
Identifiers: ClinVar variation 2139643 (VCV002139643.3), dbSNP rs2538789798, ClinGen allele CA372763739.